The following is an entry in ClinVar:

ClinVar aggregate classification (germline): Pathogenic (1 of 4 stars; one submission).

Submission:

Labcorp Genetics (formerly Invitae), Labcorp
Classification: Pathogenic. Last evaluated: 2023-03-06. Review status: criteria provided, single submitter. Criteria: Invitae Variant Classification Sherloc (09022015). Collection method: clinical testing. Allele origin: unknown.
Comment: For these reasons, this variant has been classified as Pathogenic. This variant disrupts a region of the VPS13A protein in which other variant(s) (Deletion (exons 8-9)) have been determined to be pathogenic (PMID: 29845114). This suggests that this is a clinically significant region of the protein, and that variants that disrupt it are likely to be disease-causing. This variant has not been reported in the literature in individuals affected with VPS13A-related conditions. This variant results in the deletion of exons 8-10 and part of exon 7 (c.549_755-2227del) of the VPS13A gene. It is expected to disrupt RNA splicing. Variants that disrupt the donor or acceptor splice site typically lead to a loss of protein function (PMID: 16199547), and loss-of-function variants in VPS13A are known to be pathogenic (PMID: 12404112, 21598378).

Literature cited by the submitters: PubMed 29845114; PubMed 16199547; PubMed 12404112; PubMed 21598378.

NC_000009.11:g.(?_79825585)_(79832643_?)del

Gene: VPS13A (vacuolar protein sorting 13 homolog A; plus strand). Cytogenetic location: 9q21.2.
Variant type: Deletion.
Identifiers: ClinVar variation 3245383 (VCV003245383.1).